The following is an entry in ClinVar:

ClinVar aggregate classification (germline): Conflicting classifications of pathogenicity. Review status: criteria provided, conflicting classifications (1 of 4 stars). 3 submissions from 3 submitters: Uncertain significance (2); Likely benign (1). Last evaluated 2026-05-18.

Conditions:
Inborn genetic diseases. Identifiers: MedGen C0950123, MeSH D030342.

Allele frequency attached by ClinVar (database versions not stated): gnomAD 0.00001; TOPMed 0.00001; ExAC 0.00002.

Submissions (3):

Women's Health and Genetics/Laboratory Corporation of America, LabCorp
Classification: Uncertain significance. Last evaluated: 2026-05-18. Review status: criteria provided, single submitter. Criteria: LabCorp Variant Classification Summary - May 2015. Collection method: clinical testing. Allele origin: germline.
Comment: Variant summary: KDM1A c.685G>A (p.Val229Ile) results in a conservative amino acid change in the encoded protein sequence. Algorithms developed to predict the effect of missense changes on protein structure and function are either unavailable or do not agree on the potential impact of this missense change. The variant allele was found at a frequency of 2.4e-05 in 245564 control chromosomes. The available data on variant occurrences in the general population are insufficient to allow any conclusion about variant significance. To our knowledge, no occurrence of c.685G>A in individuals affected with KDM1A-related conditions and no experimental evidence demonstrating its impact on protein function have been reported. ClinVar contains an entry for this variant (Variation ID: 2084443). Based on the evidence outlined above, the variant was classified as uncertain significance.

Ambry Genetics
Classification: Likely benign for Inborn genetic diseases. Last evaluated: 2024-12-16. Review status: criteria provided, single submitter. Criteria: Ambry Variant Classification Scheme 2023. Collection method: clinical testing. Allele origin: germline.

Labcorp Genetics (formerly Invitae), Labcorp
Classification: Uncertain significance. Last evaluated: 2024-10-16. Review status: criteria provided, single submitter. Criteria: Invitae Variant Classification Sherloc (09022015). Collection method: clinical testing. Allele origin: germline.
Comment: This sequence change replaces valine, which is neutral and non-polar, with isoleucine, which is neutral and non-polar, at codon 229 of the KDM1A protein (p.Val229Ile). This variant is present in population databases (rs61749351, gnomAD 0.02%). This variant has not been reported in the literature in individuals affected with KDM1A-related conditions. ClinVar contains an entry for this variant (Variation ID: 2084443). Invitae Evidence Modeling of protein sequence and biophysical properties (such as structural, functional, and spatial information, amino acid conservation, physicochemical variation, residue mobility, and thermodynamic stability) indicates that this missense variant is not expected to disrupt KDM1A protein function with a negative predictive value of 80%. In summary, the available evidence is currently insufficient to determine the role of this variant in disease. Therefore, it has been classified as a Variant of Uncertain Significance.

NM_001009999.3(KDM1A):c.685G>A (p.Val229Ile)

Gene: KDM1A (lysine demethylase 1A; plus strand). Cytogenetic location: 1p36.12.
Variant type: single nucleotide variant.
Coding change: c.685G>A on transcript NM_001009999.3 (MANE Select); coding-DNA position 685, G replaced by A.
Protein change: p.Val229Ile; replaces valine 229 with isoleucine.
Molecular consequence: missense variant.
Genome position (GRCh38, 1-based): chr1:23,050,494, G>A. VCF-style: chr1-23050494-G-A. GRCh37 (hg19) VCF-style: chr1-23376987-G-A.
Other names: c.625G>A, p.Val209Ile (NM_001363654.2, NM_001410763.1, NM_015013.4); c.685G>A, p.Val229Ile (NM_001410762.1); c.685G>A (NM_001009999.2); short protein forms V229I, V209I.
Identifiers: ClinVar variation 2084443 (VCV002084443.6), dbSNP rs61749351, ClinGen allele CA679518.